The following is an entry in ClinVar:

NM_000180.4(GUCY2D):c.2871del (p.Ser958fs)

Gene: GUCY2D (guanylate cyclase 2D, retinal; plus strand). Cytogenetic location: 17p13.1.
Variant type: Deletion.
Coding change: c.2871del on transcript NM_000180.4 (MANE Select); coding-DNA position 2871, one base deleted (C; older notation c.2871delC).
Protein change: p.Ser958fs; shifts the reading frame from serine 958.
Molecular consequence: frameshift variant.
Genome position (GRCh38, 1-based): chr17:8,015,429, C deleted. VCF-style (leftmost placement, unchanged base first): chr17-8015428-TC-T. GRCh37 (hg19) VCF-style: chr17-7918746-TC-T.
Other names: short protein forms S958fs.
Identifiers: ClinVar variation 1413732 (VCV001413732.6), dbSNP rs2151803659, ClinGen allele CA2573154817.
Genomic context (GRCh38, chr17:8,015,428, plus strand): 5'-TGCCCCAGCGGAATGGGCAGCGACACGCGGCAGAGATCGCCAACATGTCACTGGACATCC[TC>T]AGTGCCGTGGGCACTTTCCGCATGCGCCATATGCCTGAGGTTCCCGTGCGCATCCGCATA-3'

ClinVar aggregate classification (germline): Pathogenic (1 of 4 stars; one submission).

Conditions:
Cone-rod dystrophy 6 (CORD6). Also called: RETINAL CONE DYSTROPHY 2; Cone dystrophy progressive. Identifiers: Orphanet 1872, MedGen C1866293, MONDO:0011143, OMIM 601777.
Leber congenital amaurosis 1 (LCA1). Also called: AMAUROSIS CONGENITA OF LEBER I; RETINAL BLINDNESS, CONGENITAL; Congenital absence of the rods and cones; Leber's congenital tapetoretinal degeneration; Leber's congenital tapetoretinal dysplasia. Identifiers: Orphanet 65, MedGen C2931258, MONDO:0008764, OMIM 204000.

Submission:

Labcorp Genetics (formerly Invitae), Labcorp
Classification: Pathogenic for Leber congenital amaurosis 1; Cone-rod dystrophy 6. Last evaluated: 2021-07-25. Review status: criteria provided, single submitter. Criteria: Invitae Variant Classification Sherloc (09022015). Collection method: clinical testing. Allele origin: germline.
Comment: For these reasons, this variant has been classified as Pathogenic. This variant has not been reported in the literature in individuals affected with GUCY2D-related conditions. This variant is not present in population databases (ExAC no frequency). This sequence change creates a premature translational stop signal (p.Ser958Valfs*20) in the GUCY2D gene. It is expected to result in an absent or disrupted protein product. Loss-of-function variants in GUCY2D are known to be pathogenic (PMID: 10951519, 11328726).

Literature cited by the submitters: PubMed 10951519; PubMed 11328726.